The following is an entry in ClinVar:

NM_031443.4(CCM2):c.246C>T (p.Pro82=)

Gene: CCM2 (CCM2 scaffold protein; plus strand). Cytogenetic location: 7p13.
Variant type: single nucleotide variant.
Coding change: c.246C>T on transcript NM_031443.4 (MANE Select); coding-DNA position 246, C replaced by T.
Protein change: p.Pro82=; no amino-acid change (proline 82 retained).
Molecular consequence: synonymous variant. On other transcripts: non-coding transcript variant (1).
Genome position (GRCh38, 1-based): chr7:45,063,959, C>T. VCF-style: chr7-45063959-C-T. GRCh37 (hg19) VCF-style: chr7-45103558-C-T.
Other names: p.Pro82=; c.309C>T, p.Pro103= (NM_001029835.2); c.72C>T, p.Pro24= (NM_001167934.2, NM_001363459.2); c.246C>T, p.Pro82= (NM_001167935.2, NM_001363458.2).
Identifiers: ClinVar variation 261968 (VCV000261968.49), dbSNP rs148244188, ClinGen allele CA4246922.

ClinVar aggregate classification (germline): Benign/Likely benign. Review status: criteria provided, multiple submitters, no conflicts (2 of 4 stars). 9 submissions from 9 submitters: Benign (2); Likely benign (7). Last evaluated 2026-01-26.

Conditions:
Inborn genetic diseases. Identifiers: MedGen C0950123, MeSH D030342.
Cerebral cavernous malformation 2. Also called: Familial Cerebral Cavernous Malformation 2. Identifiers: Orphanet 221061, MedGen C1864041, MONDO:0011304, OMIM 603284.

Allele frequency attached by ClinVar (database versions not stated): 1000 Genomes Project 0.00060; 1000 Genomes Project 30x 0.00062; ExAC 0.00167; TOPMed 0.00172; gnomAD 0.00178 and 0.00183; gnomAD exomes 0.00186 and 0.00270; ESP Exome Variant Server 0.00261.
gnomAD v4.1: 4,184 of 1,613,334 alleles (0.26%); highest among the groups gnomAD compares: Non-Finnish European, 0.32%; 14 homozygotes.

Submissions (9):

Labcorp Genetics (formerly Invitae), Labcorp
Classification: Benign for Cerebral cavernous malformation 2. Last evaluated: 2026-01-26. Review status: criteria provided, single submitter. Criteria: Invitae Variant Classification Sherloc (09022015). Collection method: clinical testing. Allele origin: germline.

Mayo Clinic Laboratories, Mayo Clinic
Classification: Benign. Last evaluated: 2025-06-03. Review status: criteria provided, single submitter. Criteria: ACMG Guidelines, 2015. Collection method: clinical testing. Allele origin: germline. Observed: 7 variant alleles.
Comment: BS1, BS2, BP4, BP7

Blueprint Genetics
Classification: Likely benign. Last evaluated: 2024-11-25. Review status: criteria provided, single submitter. Criteria: ACMG Guidelines, 2015. Collection method: clinical testing. Allele origin: germline.

CeGaT Center for Human Genetics Tuebingen
Classification: Likely benign. Last evaluated: 2024-05-01. Review status: criteria provided, single submitter. Criteria: CeGaT Center For Human Genetics Tuebingen Variant Classification Criteria Version 2. Collection method: clinical testing. Allele origin: germline. Affected: yes. Observed: 3 variant alleles.
Comment: CCM2: BP4, BP7, BS1

Ambry Genetics
Classification: Likely benign for Inborn genetic diseases. Last evaluated: 2022-05-06. Review status: criteria provided, single submitter. Criteria: Ambry Variant Classification Scheme 2023. Collection method: clinical testing. Allele origin: germline.

GeneDx
Classification: Likely benign. Last evaluated: 2021-05-10. Review status: criteria provided, single submitter. Criteria: GeneDx Variant Classification Process June 2021. Collection method: clinical testing. Allele origin: germline. Affected: yes.

ARUP Laboratories, Molecular Genetics and Genomics, ARUP Laboratories
Classification: Likely benign. Last evaluated: 2017-12-05. Review status: criteria provided, single submitter. Criteria: ARUP Molecular Germline Variant Investigation Process. Collection method: clinical testing. Allele origin: germline.
Comment: Although the c.246C>T variant (rs148244188) has not been reported in the medical literature, it is listed in the Genome Aggregation Database (gnomAD) browser with an allele frequency of 0.3% in the non-Finnish European population (identified in 389 out of 126,714 chromosomes; 1 homozygote) and is classified as likely benign in ClinVar (Variant ID: 261968). The cytosine at nucleotide 246 is not conserved, and computational analyses predict that this variant does not affect splicing of the CCM2 mRNA (Alamut software v2.10.0). Therefore, based on the available information, the c.246C>T variant is classified as likely benign.

Breakthrough Genomics
Classification: Likely benign. Review status: criteria provided, single submitter. Criteria: ACMG Guidelines, 2015. Collection method: not provided. Allele origin: germline. Inheritance: Autosomal dominant inheritance. Affected: yes.

PreventionGenetics, part of Exact Sciences
Classification: Likely benign. Review status: criteria provided, single submitter. Criteria: ACMG Guidelines, 2015. Collection method: clinical testing. Allele origin: germline.